The following is an entry in ClinVar:

NM_007129.5(ZIC2):c.1406_1411dup (p.Ala470_Val471insAlaAla)

Genes: ZIC2 (Zic family zinc finger 2; plus strand), LOC110008580 (Zic family member 2 polyalanine repeat instability region; plus strand). Cytogenetic location: 13q32.3.
Variant type: Duplication.
Coding change: c.1406_1411dup on transcript NM_007129.5 (MANE Select); coding-DNA positions 1406 to 1411, 6 bases duplicated (CCGCGG; older notation c.1406_1411dupCCGCGG).
Protein change: p.Ala470_Val471insAlaAla.
Molecular consequence: inframe insertion.
Genome position (GRCh38, 1-based): chr13:99,985,489-99,985,494, CCGCGG duplicated; duplicating any 6 consecutive bases within chr13:99,985,485-99,985,494 gives the same sequence; the c. name uses the placement nearest the transcript's 3' end. VCF-style (leftmost placement, unchanged base first): chr13-99985484-G-GGCGGCC. GRCh37 (hg19) VCF-style: chr13-100637738-G-GGCGGCC.
Identifiers: ClinVar variation 2143301 (VCV002143301.4), dbSNP rs890622628, ClinGen allele CA255397237.

ClinVar aggregate classification (germline): Uncertain significance (1 of 4 stars; one submission).

Conditions:
Holoprosencephaly 5 (HPE5). Identifiers: Orphanet 2162, MedGen C1864827, MONDO:0012322, OMIM 609637.

Submission:

Labcorp Genetics (formerly Invitae), Labcorp
Classification: Uncertain significance for Holoprosencephaly 5. Last evaluated: 2024-12-23. Review status: criteria provided, single submitter. Criteria: Invitae Variant Classification Sherloc (09022015). Collection method: clinical testing. Allele origin: germline.
Comment: This variant, c.1406_1411dup, results in the insertion of 2 amino acid(s) of the ZIC2 protein (p.Ala469_Ala470dup), but otherwise preserves the integrity of the reading frame. This variant is not present in population databases (gnomAD no frequency). This variant has not been reported in the literature in individuals affected with ZIC2-related conditions. ClinVar contains an entry for this variant (Variation ID: 2143301). Experimental studies and prediction algorithms are not available or were not evaluated, and the functional significance of this variant is currently unknown. In summary, the available evidence is currently insufficient to determine the role of this variant in disease. Therefore, it has been classified as a Variant of Uncertain Significance.